The following is an entry in ClinVar:

ClinVar aggregate classification (germline): Pathogenic. Review status: criteria provided, multiple submitters, no conflicts (2 of 4 stars). 2 submissions from 2 submitters: Pathogenic (2). Last evaluated 2022-02-02.

Conditions:
Brain small vessel disease 1 with or without ocular anomalies (BSVD1). Also called: PORENCEPHALY, TYPE 1, AUTOSOMAL DOMINANT; Brain small vessel disease with or without ocular anomalies; BRAIN SMALL VESSEL DISEASE WITH HEMORRHAGE; GOULD SYNDROME 1. Identifiers: Orphanet 2940, Orphanet 36383, Orphanet 99810, MedGen C4755307, MONDO:0008289, OMIM 175780.

Submissions (2):

Victorian Clinical Genetics Services, Murdoch Childrens Research Institute
Classification: Pathogenic for Brain small vessel disease 1 with or without ocular anomalies. Last evaluated: 2022-02-02. Review status: criteria provided, single submitter. Criteria: ACMG Guidelines, 2015. Collection method: clinical testing. Allele origin: germline. Inheritance: Autosomal dominant inheritance. Affected: yes.
Comment: Based on the classification scheme VCGS_Germline_v1.1.1, this variant is classified as PATHOGENIC. Following criteria are met: 0102 - Loss-of-function is a known mechanism of disease for this gene. Frameshift and splice sitevvariants cause disease through a loss of function mechanism (PMID:23065703). (N) 0104 - Dominant Negative is a mechanism of disease for this gene. Missense variants cause disease through a dominant negative disease mechanism (PMID:16159887). (N) 0107 - This gene is known to be associated with autosomal dominant disease. (N) 0210 - Splice site variant (canonical) proven to affect splicing. This canonical splice site variant results in skipping of exon 42, p.(Ser1187_Gly1248del) (Splicing Diagnostics, Kids Neuroscience Centre). (N) 0213 - In-frame insertion/deletion in a non-repetitive region that has high conservation. Abberant splicing results in the inframe deletion of 62 amino acids (Splicing Diagnostics, Kids Neuroscience Centre). (P) 0251 - Variant is heterozygous. (N) 0301 - Variant is absent from gnomAD. (P) 0601 - Variant affects at least one well-established (essential) functional domain or motif. This in-frame event removes 62 amino acids from the collagen triple helix repeat (Gly-X-Y) domain (Splicing Diagnostics, Kids Neuroscience Centre). (P) 0705 - No comparable variants have previous evidence for pathogenicity. (N) 0807 - Variant has not previously been reported in a clinical context. (N) 0905 - No segregation evidence has been identified for this variant. (N) 1007 - No published functional evidence has been identified for this variant. (N) 1102 - Strong phenotype match. (P) Legend: (P) - Pathogenic, (N) - Neutral, (B) - Benign

Kids Neuroscience Centre, Sydney Children's Hospitals Network
Classification: Pathogenic for Brain small vessel disease 1 with or without ocular anomalies. Review status: criteria provided, single submitter. Criteria: Bournazos AM et al. (Genet Med 2021). Collection method: clinical testing. Allele origin: de novo. Inheritance: Autosomal dominant inheritance. Affected: yes. Observed: 1 heterozygote.
Comment: The c.3742+1G>A variant results in exon 42 skipping (r.3557_3742del; p.(Ser1187_Gly1248del)), an in-frame event that removes 62 amino acids from the collagen triple helix repeat (Gly-X-X) domain, including 21 Glycine residues conserved to C. elegans. Functional impact due to loss of these resides is supported by previous reports in ClinVar of t wo pathogenic (RCV000018955.24; RCV000489551.2) and three likely pathogenic (RCV000489733.1; RCV000623927.1; RCV000657973.1) missense variants affecting conserved Glycine residues encoded by COL4A1 exon 42.

Literature cited by the submitters: PubMed 16159887 (cited by Victorian Clinical Genetics Services, Murdoch Childrens Research Institute); PubMed 23065703 (cited by Victorian Clinical Genetics Services, Murdoch Childrens Research Institute).

NM_001845.6(COL4A1):c.3742+1G>A

Gene: COL4A1 (collagen type IV alpha 1 chain; minus strand). Cytogenetic location: 13q34.
Variant type: single nucleotide variant.
Coding change: c.3742+1G>A on transcript NM_001845.6 (MANE Select); the canonical splice donor site of the intron after coding-DNA position 3742, G replaced by A.
Molecular consequence: splice donor variant.
Genome position (GRCh38, 1-based): chr13:110,170,546, C>T on the plus strand (G>A on the coding strand, the complement: COL4A1 is on the minus strand). VCF-style: chr13-110170546-C-T. GRCh37 (hg19) VCF-style: chr13-110822893-C-T.
Identifiers: ClinVar variation 1064614 (VCV001064614.6), dbSNP rs2139156007, ClinGen allele CA388662199.